The following is an entry in ClinVar:

NM_004181.5(UCHL1):c.653C>A (p.Ala218Asp)

Gene: UCHL1 (ubiquitin C-terminal hydrolase L1; plus strand). Cytogenetic location: 4p13.
Variant type: single nucleotide variant.
Coding change: c.653C>A on transcript NM_004181.5 (MANE Select); coding-DNA position 653, C replaced by A.
Protein change: p.Ala218Asp; replaces alanine 218 with aspartic acid.
Molecular consequence: missense variant.
Genome position (GRCh38, 1-based): chr4:41,268,054, C>A. VCF-style: chr4-41268054-C-A. GRCh37 (hg19) VCF-style: chr4-41270071-C-A.
Other names: short protein forms A218D.
Identifiers: ClinVar variation 2796344 (VCV002796344.3), dbSNP rs2551923540, ClinGen allele CA356734089.
Genomic context (GRCh38, chr4:41,268,054, plus strand): 5'-CCAAGGTCTGCAGAGAATTCACCGAGCGTGAGCAAGGAGAAGTCCGCTTCTCTGCCGTGG[C>A]TCTCTGCAAGGCAGCCTAATGCTCTGTGGGAGGGACTTTGCTGATTTCCCCTCTTCCCTT-3'
Protein context (NP_004172.2, residues 208-223): EQGEVRFSAV[Ala218Asp]LCKAA

ClinVar aggregate classification (germline): Uncertain significance (1 of 4 stars; one submission).

Submission:

Labcorp Genetics (formerly Invitae), Labcorp
Classification: Uncertain significance. Last evaluated: 2023-03-07. Review status: criteria provided, single submitter. Criteria: Invitae Variant Classification Sherloc (09022015). Collection method: clinical testing. Allele origin: germline.
Comment: In summary, the available evidence is currently insufficient to determine the role of this variant in disease. Therefore, it has been classified as a Variant of Uncertain Significance. An algorithm developed to predict the effect of missense changes on protein structure and function (PolyPhen-2) suggests that this variant is likely to be disruptive. This variant has not been reported in the literature in individuals affected with UCHL1-related conditions. This variant is not present in population databases (gnomAD no frequency). This sequence change replaces alanine, which is neutral and non-polar, with aspartic acid, which is acidic and polar, at codon 218 of the UCHL1 protein (p.Ala218Asp).